The following is an entry in ClinVar:

NM_022124.6(CDH23):c.1416C>T (p.Asn472=)

Gene: CDH23 (cadherin related 23; plus strand). Cytogenetic location: 10q22.1.
Variant type: single nucleotide variant.
Coding change: c.1416C>T on transcript NM_022124.6 (MANE Select); coding-DNA position 1416, C replaced by T.
Protein change: p.Asn472=; no amino-acid change (asparagine 472 retained).
Molecular consequence: synonymous variant.
Genome position (GRCh38, 1-based): chr10:71,646,584, C>T. VCF-style: chr10-71646584-C-T. GRCh37 (hg19) VCF-style: chr10-73406341-C-T.
Other names: c.1416C>T, p.Asn472= (NM_001171930.2, NM_001171931.2, NM_052836.4).
Identifiers: ClinVar variation 1150772 (VCV001150772.32), dbSNP rs745573280, ClinGen allele CA5543795.

ClinVar aggregate classification (germline): Likely benign. Review status: criteria provided, multiple submitters, no conflicts (2 of 4 stars). 2 submissions from 2 submitters: Likely benign (2). Last evaluated 2024-03-16.

Allele frequency attached by ClinVar (database versions not stated): ExAC 0.00001; gnomAD 0.00001; gnomAD exomes 0.00001 and 0.00002.
gnomAD v4.1: 15 of 1,613,886 alleles (0.00093%); highest among the groups gnomAD compares: African/African-American, 0.0027%; no homozygotes.

Submissions (2):

Labcorp Genetics (formerly Invitae), Labcorp
Classification: Likely benign. Last evaluated: 2024-03-16. Review status: criteria provided, single submitter. Criteria: Invitae Variant Classification Sherloc (09022015). Collection method: clinical testing. Allele origin: germline.

CeGaT Center for Human Genetics Tuebingen
Classification: Likely benign. Last evaluated: 2022-11-01. Review status: criteria provided, single submitter. Criteria: CeGaT Center For Human Genetics Tuebingen Variant Classification Criteria Version 2. Collection method: clinical testing. Allele origin: germline. Affected: yes. Observed: 1 variant allele.
Comment: CDH23: BP4, BP7